The following is an entry in ClinVar:

NM_001267550.2(TTN):c.42278A>G (p.Lys14093Arg)

Gene: TTN (titin; minus strand). Cytogenetic location: 2q31.2.
Variant type: single nucleotide variant.
Coding change: c.42278A>G on transcript NM_001267550.2 (MANE Select); coding-DNA position 42278, A replaced by G.
Protein change: p.Lys14093Arg; replaces lysine 14093 with arginine.
Molecular consequence: missense variant.
Genome position (GRCh38, 1-based): chr2:178,634,503, T>C on the plus strand (A>G on the coding strand, the complement: TTN is on the minus strand). VCF-style: chr2-178634503-T-C. GRCh37 (hg19) VCF-style: chr2-179499230-T-C.
Other names: c.34574A>G, p.Lys11525Arg (NM_133378.4); c.42278A>G (NM_001267550.1); c.37355A>G, p.Lys12452Arg (NM_001256850.1); c.15083A>G, p.Lys5028Arg (NM_003319.4); c.15458A>G, p.Lys5153Arg (NM_133432.3); c.15659A>G, p.Lys5220Arg (NM_133437.4); short protein forms K11525R, K14093R, K5153R, K5028R, K12452R, K5220R.
Identifiers: ClinVar variation 517470 (VCV000517470.8), dbSNP rs1553743733, ClinGen allele CA349655251.

ClinVar aggregate classification (germline): Uncertain significance. Review status: criteria provided, multiple submitters, no conflicts (2 of 4 stars). 3 submissions from 3 submitters: Uncertain significance (3). Last evaluated 2022-07-08.

Allele frequency attached by ClinVar (database versions not stated): gnomAD exomes below 0.00001.
gnomAD v4.1: 1 of 1,613,332 alleles (0.000062%); highest among the groups gnomAD compares: Non-Finnish European, 0.000085%; no homozygotes.

Submissions (3):

Athena Diagnostics
Classification: Uncertain significance. Last evaluated: 2022-07-08. Review status: criteria provided, single submitter. Criteria: Athena Diagnostics Criteria. Collection method: clinical testing. Allele origin: unknown.

Stanford Center for Inherited Cardiovascular Disease, Stanford University
Classification: Uncertain significance. Last evaluated: 2017-11-08. Review status: criteria provided, single submitter. Criteria: ACMG Guidelines, 2015. Collection method: provider interpretation. Allele origin: germline.

Laboratory for Molecular Medicine, Mass General Brigham Personalized Medicine
Classification: Uncertain significance. Last evaluated: 2017-06-28. Review status: criteria provided, single submitter. Criteria: LMM Criteria. Collection method: clinical testing. Allele origin: germline. Observed: 2 variant alleles.
Comment: The p.Lys11525Arg variant in TTN has not been reported in individuals with cardi omyopathy and was absent from large population studies. Computational prediction tools and conservation analysis do not provide strong support for or against an impact to the protein. In summary, the clinical significance of the p.Lys11525A rg variant is uncertain. ACMG/AMP Criteria applied: PM2.